The following is an entry in ClinVar:

NM_014991.6(WDFY3):c.6317C>G (p.Ala2106Gly)

Gene: WDFY3 (WD repeat and FYVE domain containing 3; minus strand). Cytogenetic location: 4q21.23.
Variant type: single nucleotide variant.
Coding change: c.6317C>G on transcript NM_014991.6 (MANE Select); coding-DNA position 6317, C replaced by G.
Protein change: p.Ala2106Gly; replaces alanine 2106 with glycine.
Molecular consequence: missense variant.
Genome position (GRCh38, 1-based): chr4:84,740,334, G>C on the plus strand (C>G on the coding strand, the complement: WDFY3 is on the minus strand). VCF-style: chr4-84740334-G-C. GRCh37 (hg19) VCF-style: chr4-85661487-G-C.
Other names: short protein forms A2106G.
Identifiers: ClinVar variation 1213732 (VCV001213732.1), dbSNP rs2149221110, ClinGen allele CA357557100.
Genomic context (GRCh38, chr4:84,740,334, plus strand): 5'-TTTACAGTGAGGACCCTGAGTGAATCAAGCAGAGCTACTTGCTGAGGAACGGTTTTGTGT[G>C]CCCGTGAGAACTGGTACAAGATGGTCCTATTGAGGCAATGATACACTGCATCCAGTGACA-3'
Protein context (NP_055806.2, residues 2096-2116): NRTILYQFSR[Ala2106Gly]HKTVPQQVAL

ClinVar aggregate classification (germline): Uncertain significance (1 of 4 stars; one submission).

Conditions:
Microcephaly 18, primary, autosomal dominant (MCPH18). Identifiers: MedGen C4479608, MONDO:0054593, OMIM 617520.

gnomAD v4.1: 5 of 1,614,074 alleles (0.00031%); highest among the groups gnomAD compares: Non-Finnish European, 0.00042%; no homozygotes.

Submission:

New York Genome Center
Classification: Uncertain significance for Microcephaly 18, primary, autosomal dominant. Last evaluated: 2020-11-04. Review status: criteria provided, single submitter. Criteria: NYGC Assertion Criteria 2020. Collection method: clinical testing. Allele origin: germline. Observed: 1 heterozygote. Study: CSER-NYCKidSeq.
Comment: The c.6317C>G (p.Ala2106Gly) variant identified in the WDFY3 gene substitutes a well conserved Alanine for Glycine at amino acid 2106/3527 (exon 39/68). This variant is absent from gnomAD(v3.0) suggesting it is not a common benign variant in the populations represented in that database. In silico algorithms predict this variant to be Tolerated (SIFT; score:0.073) and Benign (REVEL; score:0.252). This variant is absent from ClinVar and to our current knowledge has not been reported in affected individuals in the literature. The p.Ala2106 residue is not within a mapped domain of WDFY3 (UniProtKB:Q8IZQ1). Given the lack of compelling evidence for its pathogenicity, the c.6317C>G (p.Ala2106Gly) variant identified in the WDFY3 gene is reported as a Variant of Uncertain Significance.